The following is an entry in ClinVar:

ClinVar aggregate classification (germline): Uncertain significance (1 of 4 stars; one submission).

Conditions:
Inborn genetic diseases. Identifiers: MedGen C0950123, MeSH D030342.

Submission:

Ambry Genetics
Classification: Uncertain significance for Inborn genetic diseases. Last evaluated: 2026-05-14. Review status: criteria provided, single submitter. Criteria: Ambry Variant Classification Scheme 2023. Collection method: clinical testing. Allele origin: germline.
Comment: The p.Q1135K variant (also known as c.3403C>A), located in coding exon 13 of the ASXL1 gene, results from a C to A substitution at nucleotide position 3403. The glutamine at codon 1135 is replaced by lysine, an amino acid with similar properties. This amino acid position is conserved. In addition, this alteration is predicted to be tolerated by in silico analysis. Based on the available evidence, the clinical significance of this variant remains unclear.

NM_015338.6(ASXL1):c.3403C>A (p.Gln1135Lys)

Gene: ASXL1 (ASXL transcriptional regulator 1; plus strand). Cytogenetic location: 20q11.21.
Variant type: single nucleotide variant.
Coding change: c.3403C>A on transcript NM_015338.6 (MANE Select); coding-DNA position 3403, C replaced by A.
Protein change: p.Gln1135Lys; replaces glutamine 1135 with lysine.
Molecular consequence: missense variant.
Genome position (GRCh38, 1-based): chr20:32,436,115, C>A. VCF-style: chr20-32436115-C-A. GRCh37 (hg19) VCF-style: chr20-31023918-C-A.
Other names: c.3220C>A, p.Gln1074Lys (NM_001363734.1); short protein forms Q1074K, Q1135K.
Identifiers: ClinVar variation 4864606 (VCV004864606.1).